The following is an entry in ClinVar:

NM_001005373.4(LRSAM1):c.2084G>A (p.Cys695Tyr)

Gene: LRSAM1 (leucine rich repeat and sterile alpha motif containing 1; plus strand). Cytogenetic location: 9q34.11.
Variant type: single nucleotide variant.
Coding change: c.2084G>A on transcript NM_001005373.4 (MANE Select); coding-DNA position 2084, G replaced by A.
Protein change: p.Cys695Tyr; replaces cysteine 695 with tyrosine.
Molecular consequence: missense variant. On other transcripts: non-coding transcript variant (2).
Genome position (GRCh38, 1-based): chr9:127,502,811, G>A. VCF-style: chr9-127502811-G-A. GRCh37 (hg19) VCF-style: chr9-130265090-G-A.
Other names: c.2084G>A, p.Cys695Tyr (NM_001005374.4, NM_001384142.1, NM_138361.5); c.2003G>A, p.Cys668Tyr (NM_001190723.3); c.1985G>A, p.Cys662Tyr (NM_001384143.1); c.1295G>A, p.Cys432Tyr (NM_001384144.1); short protein forms C432Y, C662Y, C668Y, C695Y.
Identifiers: ClinVar variation 1685370 (VCV001685370.3), dbSNP rs2132133868, ClinGen allele CA374938717.
Genomic context (GRCh38, chr9:127,502,811, plus strand): 5'-ATGCTCCCGCTCTCCCTCCCCAGGCCCAGATGATCTTCCTCAACTGTGGCCACGTCTGCT[G>A]CTGCCAGCAGTGCTGCCAGCCACTGCGCACCTGCCCGCTGTGCCGCCAGGACATCGCCCA-3'
Protein context (NP_001005373.1, residues 685-705): MIFLNCGHVC[Cys695Tyr]CQQCCQPLRT

ClinVar aggregate classification (germline): Conflicting classifications of pathogenicity. Review status: criteria provided, conflicting classifications (1 of 4 stars). 2 submissions from 2 submitters: Likely pathogenic (1); Uncertain significance (1). Last evaluated 2022-05-04.

Conditions:
Charcot-Marie-Tooth disease axonal type 2P. Also called: CHARCOT-MARIE-TOOTH DISEASE, AXONAL, TYPE 2G; CMT 2G; CHARCOT-MARIE-TOOTH NEUROPATHY, TYPE 2P; Charcot-Marie-Tooth Neuropathy Type 2G. Identifiers: Orphanet 300319, Orphanet 99941, MedGen C3280797, MONDO:0013753, OMIM 614436.
Inborn genetic diseases. Identifiers: MedGen C0950123, MeSH D030342.

Submissions (2):

Mendelics
Classification: Likely pathogenic for Charcot-Marie-Tooth disease axonal type 2P. Last evaluated: 2022-05-04. Review status: criteria provided, single submitter. Criteria: Mendelics Assertion Criteria 2019. Collection method: clinical testing. Allele origin: germline.

Ambry Genetics
Classification: Uncertain significance for Inborn genetic diseases. Last evaluated: 2021-10-22. Review status: criteria provided, single submitter. Criteria: Ambry Variant Classification Scheme 2023. Collection method: clinical testing. Allele origin: germline.
Comment: The p.C695Y variant (also known as c.2084G>A), located in coding exon 24 of the LRSAM1 gene, results from a G to A substitution at nucleotide position 2084. The cysteine at codon 695 is replaced by tyrosine, an amino acid with highly dissimilar properties. This amino acid position is conserved. In addition, the in silico prediction for this alteration is inconclusive. Since supporting evidence is limited at this time, the clinical significance of this alteration remains unclear.